The following is an entry in ClinVar:

ClinVar aggregate classification (germline): Uncertain significance. Review status: criteria provided, multiple submitters, no conflicts (2 of 4 stars). 2 submissions from 2 submitters: Uncertain significance (2). Last evaluated 2025-03-20.

Conditions:
Inborn genetic diseases. Identifiers: MedGen C0950123, MeSH D030342.

Allele frequency attached by ClinVar (database versions not stated): gnomAD exomes below 0.00001 and 0.00001; TOPMed below 0.00001.

Submissions (2):

Ambry Genetics
Classification: Uncertain significance for Inborn genetic diseases. Last evaluated: 2025-03-20. Review status: criteria provided, single submitter. Criteria: Ambry Variant Classification Scheme 2023. Collection method: clinical testing. Allele origin: germline.

Labcorp Genetics (formerly Invitae), Labcorp
Classification: Uncertain significance. Last evaluated: 2023-10-16. Review status: criteria provided, single submitter. Criteria: Invitae Variant Classification Sherloc (09022015). Collection method: clinical testing. Allele origin: germline.
Comment: This sequence change replaces alanine, which is neutral and non-polar, with aspartic acid, which is acidic and polar, at codon 907 of the KCNQ5 protein (p.Ala907Asp). This variant is present in population databases (no rsID available, gnomAD 0.006%). This variant has not been reported in the literature in individuals affected with KCNQ5-related conditions. ClinVar contains an entry for this variant (Variation ID: 1520548). Advanced modeling of protein sequence and biophysical properties (such as structural, functional, and spatial information, amino acid conservation, physicochemical variation, residue mobility, and thermodynamic stability) performed at Invitae indicates that this missense variant is not expected to disrupt KCNQ5 protein function. In summary, the available evidence is currently insufficient to determine the role of this variant in disease. Therefore, it has been classified as a Variant of Uncertain Significance.

NM_019842.4(KCNQ5):c.2663C>A (p.Ala888Asp)

Gene: KCNQ5 (potassium voltage-gated channel subfamily Q member 5; plus strand). Cytogenetic location: 6q13.
Variant type: single nucleotide variant.
Coding change: c.2663C>A on transcript NM_019842.4 (MANE Select); coding-DNA position 2663, C replaced by A.
Protein change: p.Ala888Asp; replaces alanine 888 with aspartic acid.
Molecular consequence: missense variant.
Genome position (GRCh38, 1-based): chr6:73,195,278, C>A. VCF-style: chr6-73195278-C-A. GRCh37 (hg19) VCF-style: chr6-73905001-C-A.
Other names: c.2720C>A (NM_001160133.1); c.2636C>A, p.Ala879Asp (NM_001160130.2); c.2693C>A, p.Ala898Asp (NM_001160132.2); c.2720C>A, p.Ala907Asp (NM_001160133.2); c.2333C>A, p.Ala778Asp (NM_001160134.2); short protein forms A778D, A888D, A879D, A898D, A907D.
Identifiers: ClinVar variation 1520548 (VCV001520548.9), dbSNP rs1294091178, ClinGen allele CA364697013.